The following is an entry in ClinVar:

ClinVar aggregate classification (germline): Uncertain significance (1 of 4 stars; one submission).

Submission:

Labcorp Genetics (formerly Invitae), Labcorp
Classification: Uncertain significance. Last evaluated: 2023-10-08. Review status: criteria provided, single submitter. Criteria: Invitae Variant Classification Sherloc (09022015). Collection method: clinical testing. Allele origin: germline.
Comment: This sequence change falls in intron 41 of the CACNA1E gene. It does not directly change the encoded amino acid sequence of the CACNA1E protein. It affects a nucleotide within the consensus splice site. This variant is not present in population databases (gnomAD no frequency). This variant has not been reported in the literature in individuals affected with CACNA1E-related conditions. ClinVar contains an entry for this variant (Variation ID: 1978629). Variants that disrupt the consensus splice site are a relatively common cause of aberrant splicing (PMID: 17576681, 9536098). Algorithms developed to predict the effect of sequence changes on RNA splicing suggest that this variant may disrupt the consensus splice site. In summary, the available evidence is currently insufficient to determine the role of this variant in disease. Therefore, it has been classified as a Variant of Uncertain Significance.

Literature cited by the submitters: PubMed 17576681; PubMed 9536098.

NM_001205293.3(CACNA1E):c.5578+4del

Gene: CACNA1E (calcium voltage-gated channel subunit alpha1 E; plus strand). Cytogenetic location: 1q25.3.
Variant type: Deletion.
Coding change: c.5578+4del on transcript NM_001205293.3 (MANE Select); 4 bases into the intron after coding-DNA position 5578, one base deleted (T; older notation c.5578+4delT).
Molecular consequence: splice donor variant.
Genome position (GRCh38, 1-based): chr1:181,784,772, T deleted; the last of 3 consecutive T bases (chr1:181,784,770-181,784,772); deleting any one gives the same sequence. VCF-style (leftmost placement, unchanged base first): chr1-181784769-GT-G. GRCh37 (hg19) VCF-style: chr1-181753905-GT-G.
Other names: c.5578+4del (NM_000721.4); c.5521+4del (NM_001205294.2).
Identifiers: ClinVar variation 1978629 (VCV001978629.4), dbSNP rs2529245594, ClinGen allele CA2580061571.